The following is an entry in ClinVar:

ClinVar aggregate classification (germline): Uncertain significance (1 of 4 stars; one submission).

Conditions:
Familial cold autoinflammatory syndrome 2 (FCAS2). Identifiers: Orphanet 247868, MedGen C2673198, MONDO:0012724, OMIM 611762.

gnomAD v4.1: 10 of 1,612,588 alleles (0.00062%); highest among the groups gnomAD compares: East Asian, 0.0022%; no homozygotes.

Submission:

Labcorp Genetics (formerly Invitae), Labcorp
Classification: Uncertain significance for Familial cold autoinflammatory syndrome 2. Last evaluated: 2024-04-26. Review status: criteria provided, single submitter. Criteria: Invitae Variant Classification Sherloc (09022015). Collection method: clinical testing. Allele origin: germline.
Comment: This sequence change replaces phenylalanine, which is neutral and non-polar, with serine, which is neutral and polar, at codon 200 of the NLRP12 protein (p.Phe200Ser). This variant is not present in population databases (gnomAD no frequency). This variant has not been reported in the literature in individuals affected with NLRP12-related conditions. Advanced modeling of protein sequence and biophysical properties (such as structural, functional, and spatial information, amino acid conservation, physicochemical variation, residue mobility, and thermodynamic stability) performed at Invitae indicates that this missense variant is expected to disrupt NLRP12 protein function with a positive predictive value of 80%. In summary, the available evidence is currently insufficient to determine the role of this variant in disease. Therefore, it has been classified as a Variant of Uncertain Significance.

NM_144687.4(NLRP12):c.599T>C (p.Phe200Ser)

Gene: NLRP12 (NLR family pyrin domain containing 12; minus strand). Cytogenetic location: 19q13.42.
Variant type: single nucleotide variant.
Coding change: c.599T>C on transcript NM_144687.4 (MANE Select); coding-DNA position 599, T replaced by C.
Protein change: p.Phe200Ser; replaces phenylalanine 200 with serine.
Molecular consequence: missense variant.
Genome position (GRCh38, 1-based): chr19:53,811,060, A>G on the plus strand (T>C on the coding strand, the complement: NLRP12 is on the minus strand). VCF-style: chr19-53811060-A-G. GRCh37 (hg19) VCF-style: chr19-54314314-A-G.
Other names: c.599T>C, p.Phe200Ser (NM_001277126.2, NM_001277129.1); short protein forms F200S.
Identifiers: ClinVar variation 3651277 (VCV003651277.2).
Genomic context (GRCh38, chr19:53,811,060, plus strand): 5'-CCTGCCGCGCCTTGCATGACCACGGTGCGCGGTGGCTCGGGGCGCTCCTCGTCTGGCTCA[A>G]AGAGGGTCTCTATCTTGATGGGGCTAGCCTGGTGTCCCACGGTCCTCGCGTGTCCCCGGC-3'
Protein context (NP_653288.1, residues 190-210): QASPIKIETL[Phe200Ser]EPDEERPEPP